The following is an entry in ClinVar:

ClinVar aggregate classification (germline): Uncertain significance (1 of 4 stars; one submission).

Allele frequency attached by ClinVar (database versions not stated): gnomAD 0.00001; TOPMed 0.00001.
gnomAD v4.1: 1 of 1,612,032 alleles (0.000062%); highest among the groups gnomAD compares: African/African-American, 0.0013%; no homozygotes.

Submission:

Labcorp Genetics (formerly Invitae), Labcorp
Classification: Uncertain significance. Last evaluated: 2024-10-16. Review status: criteria provided, single submitter. Criteria: Invitae Variant Classification Sherloc (09022015). Collection method: clinical testing. Allele origin: germline.
Comment: This sequence change replaces proline, which is neutral and non-polar, with arginine, which is basic and polar, at codon 268 of the HPS5 protein (p.Pro268Arg). This variant is present in population databases (no rsID available, gnomAD 0.01%). This variant has not been reported in the literature in individuals affected with HPS5-related conditions. ClinVar contains an entry for this variant (Variation ID: 1904327). An algorithm developed to predict the effect of missense changes on protein structure and function (PolyPhen-2) suggests that this variant is likely to be disruptive. In summary, the available evidence is currently insufficient to determine the role of this variant in disease. Therefore, it has been classified as a Variant of Uncertain Significance.

NM_181507.2(HPS5):c.803C>G (p.Pro268Arg)

Gene: HPS5 (HPS5 biogenesis of lysosomal organelles complex 2 subunit 2; minus strand). Cytogenetic location: 11p15.1.
Variant type: single nucleotide variant.
Coding change: c.803C>G on transcript NM_181507.2 (MANE Select); coding-DNA position 803, C replaced by G.
Protein change: p.Pro268Arg; replaces proline 268 with arginine.
Molecular consequence: missense variant.
Genome position (GRCh38, 1-based): chr11:18,306,156, G>C on the plus strand (C>G on the coding strand, the complement: HPS5 is on the minus strand). VCF-style: chr11-18306156-G-C. GRCh37 (hg19) VCF-style: chr11-18327703-G-C.
Other names: c.461C>G, p.Pro154Arg (NM_007216.4, NM_181508.2); short protein forms P268R, P154R.
Identifiers: ClinVar variation 1904327 (VCV001904327.4), dbSNP rs1398084248, ClinGen allele CA379501754.
Genomic context (GRCh38, chr11:18,306,156, plus strand): 5'-GCTCTTCAAACAATCCCAACCAGCCATACAAATCGTTACCTGAGAGTAATCACAGGGAGA[G>C]GTGGCAACGAGAGGAGTTTCTTGAACTGATGTGTACTTATAACTTCTCCATCAAAGTTCA-3'
Protein context (NP_852608.1, residues 258-278): HQFKKLLSLP[Pro268Arg]LPVITLRSEP